The following is an entry in ClinVar:

ClinVar aggregate classification (germline): Uncertain significance (1 of 4 stars; one submission).

Submission:

Labcorp Genetics (formerly Invitae), Labcorp
Classification: Uncertain significance. Last evaluated: 2022-04-04. Review status: criteria provided, single submitter. Criteria: Invitae Variant Classification Sherloc (09022015). Collection method: clinical testing. Allele origin: germline.
Comment: In summary, the available evidence is currently insufficient to determine the role of this variant in disease. Therefore, it has been classified as a Variant of Uncertain Significance. Algorithms developed to predict the effect of missense changes on protein structure and function are either unavailable or do not agree on the potential impact of this missense change (SIFT: "Deleterious"; PolyPhen-2: "Benign"; Align-GVGD: "Class C0"). This variant has not been reported in the literature in individuals affected with GAS1-related conditions. This variant is not present in population databases (gnomAD no frequency). This sequence change replaces alanine, which is neutral and non-polar, with valine, which is neutral and non-polar, at codon 131 of the GAS1 protein (p.Ala131Val).

NM_002048.3(GAS1):c.392C>T (p.Ala131Val)

Gene: GAS1 (growth arrest specific 1; minus strand). Cytogenetic location: 9q21.33.
Variant type: single nucleotide variant.
Coding change: c.392C>T on transcript NM_002048.3 (MANE Select); coding-DNA position 392, C replaced by T.
Protein change: p.Ala131Val; replaces alanine 131 with valine.
Molecular consequence: missense variant.
Genome position (GRCh38, 1-based): chr9:86,946,388, G>A on the plus strand (C>T on the coding strand, the complement: GAS1 is on the minus strand). VCF-style: chr9-86946388-G-A. GRCh37 (hg19) VCF-style: chr9-89561303-G-A.
Other names: short protein forms A131V.
Identifiers: ClinVar variation 2013748 (VCV002013748.4), dbSNP rs2489905233, ClinGen allele CA374016263.
Genomic context (GRCh38, chr9:86,946,388, plus strand): 5'-CTCGTCCGGGGCAGGCACGGCTCAATGGCGCGCTTGGTGGACTTGCAGTTCTCGTCCTGC[G>A]CGCAGTCACAGTCCTCCAGGGCGGGCCCGCGGCGCGTGTGGTTGAGCTGAATGAGGGCCG-3'
Protein context (NP_002039.2, residues 121-141): RGPALEDCDC[Ala131Val]QDENCKSTKR